The following is an entry in ClinVar:

ClinVar aggregate classification (germline): Conflicting classifications of pathogenicity. Review status: criteria provided, conflicting classifications (1 of 4 stars). 3 submissions from 3 submitters: Uncertain significance (2); Likely benign (1). Last evaluated 2025-07-15.

Conditions:
Inborn genetic diseases. Identifiers: MedGen C0950123, MeSH D030342.
Cutis laxa, X-linked (OHS). Also called: EDS IX; Occipital horn syndrome. Identifiers: Orphanet 198, MedGen C0268353, MONDO:0010572, OMIM 304150.
Menkes kinky-hair syndrome (MNK). Also called: Classic Menkes Disease; Copper transport disease; Menkes Disease. Identifiers: Orphanet 565, MedGen C0022716, MONDO:0010651, OMIM 309400.
X-linked distal spinal muscular atrophy type 3. Also called: SPINAL MUSCULAR ATROPHY, DISTAL, X-LINKED RECESSIVE; ATP7A-Related Distal Motor Neuropathy; NEURONOPATHY, DISTAL HEREDITARY MOTOR, X-LINKED; NEUROPATHY, DISTAL HEREDITARY MOTOR, X-LINKED. Identifiers: Orphanet 139557, MedGen C1845359, MONDO:0010338, OMIM 300489.

Allele frequency attached by ClinVar (database versions not stated): gnomAD 0.00001; gnomAD exomes 0.00001; TOPMed 0.00001.
gnomAD v4.1: 11 of 1,209,582 alleles (0.00091%); highest among the groups gnomAD compares: Non-Finnish European, 0.0012%; no homozygotes.

Submissions (3):

Ambry Genetics
Classification: Uncertain significance for Inborn genetic diseases. Last evaluated: 2025-07-15. Review status: criteria provided, single submitter. Criteria: Ambry Variant Classification Scheme 2023. Collection method: clinical testing. Allele origin: germline.

Labcorp Genetics (formerly Invitae), Labcorp
Classification: Uncertain significance for X-linked distal spinal muscular atrophy type 3; Cutis laxa, X-linked; Menkes kinky-hair syndrome. Last evaluated: 2025-02-02. Review status: criteria provided, single submitter. Criteria: Invitae Variant Classification Sherloc (09022015). Collection method: clinical testing. Allele origin: germline.
Comment: This sequence change replaces glutamic acid, which is acidic and polar, with lysine, which is basic and polar, at codon 691 of the ATP7A protein (p.Glu691Lys). This variant is present in population databases (no rsID available, gnomAD 0.009%). This variant has not been reported in the literature in individuals affected with ATP7A-related conditions. ClinVar contains an entry for this variant (Variation ID: 465109). Invitae Evidence Modeling of protein sequence and biophysical properties (such as structural, functional, and spatial information, amino acid conservation, physicochemical variation, residue mobility, and thermodynamic stability) indicates that this missense variant is not expected to disrupt ATP7A protein function with a negative predictive value of 95%. Algorithms developed to predict the effect of sequence changes on RNA splicing suggest that this variant may disrupt the consensus splice site. In summary, the available evidence is currently insufficient to determine the role of this variant in disease. Therefore, it has been classified as a Variant of Uncertain Significance.

GeneDx
Classification: Likely benign. Last evaluated: 2017-11-20. Review status: criteria provided, single submitter. Criteria: GeneDx Variant Classification (06012015). Collection method: clinical testing. Allele origin: germline. Affected: yes.
Comment: This variant is considered likely benign or benign based on one or more of the following criteria: it is a conservative change, it occurs at a poorly conserved position in the protein, it is predicted to be benign by multiple in silico algorithms, and/or has population frequency not consistent with disease.

NM_000052.7(ATP7A):c.2071G>A (p.Glu691Lys)

Gene: ATP7A (ATPase copper transporting alpha; plus strand). Cytogenetic location: Xq21.1.
Variant type: single nucleotide variant.
Coding change: c.2071G>A on transcript NM_000052.7 (MANE Select); coding-DNA position 2071, G replaced by A.
Protein change: p.Glu691Lys; replaces glutamic acid 691 with lysine.
Molecular consequence: missense variant.
Genome position (GRCh38, 1-based): chrX:78,011,573, G>A. VCF-style: chrX-78011573-G-A. GRCh37 (hg19) VCF-style: chrX-77267070-G-A.
Other names: c.2071G>A, p.Glu691Lys (NM_001282224.2); short protein forms E691K.
Identifiers: ClinVar variation 465109 (VCV000465109.7), dbSNP rs944415019, ClinGen allele CA331096924.